The following is an entry in ClinVar:

ClinVar aggregate classification (germline): Benign. Review status: criteria provided, single submitter (1 of 4 stars). 2 submissions from 2 submitters: Benign (1). 1 of the submissions does not count toward it. Last evaluated 2018-06-18.

Conditions:
IRX1-related disorder. Also called: IRX1-related condition.

Allele frequency attached by ClinVar (database versions not stated): gnomAD exomes 0.00114; ExAC 0.00134; gnomAD 0.00447 and 0.00474; ESP Exome Variant Server 0.00515; TOPMed 0.00519; 1000 Genomes Project 0.00579; 1000 Genomes Project 30x 0.00593.

Submissions (2):

Labcorp Genetics (formerly Invitae), Labcorp
Classification: Benign. Last evaluated: 2018-06-18. Review status: criteria provided, single submitter. Criteria: Invitae Variant Classification Sherloc (09022015). Collection method: clinical testing. Allele origin: germline.

PreventionGenetics, part of Exact Sciences
Classification: Benign for IRX1-related condition. Last evaluated: 2019-03-14. Review status: no assertion criteria provided. Collection method: clinical testing. Allele origin: germline. Not counted in ClinVar's aggregate classification.
Comment: This variant is classified as benign based on ACMG/AMP sequence variant interpretation guidelines (Richards et al. 2015 PMID: 25741868, with internal and published modifications).

NM_024337.4(IRX1):c.318C>T (p.Pro106=)

Gene: IRX1 (iroquois homeobox 1; plus strand). Cytogenetic location: 5p15.33.
Variant type: single nucleotide variant.
Coding change: c.318C>T on transcript NM_024337.4 (MANE Select); coding-DNA position 318, C replaced by T.
Protein change: p.Pro106=; no amino-acid change (proline 106 retained).
Molecular consequence: synonymous variant.
Genome position (GRCh38, 1-based): chr5:3,599,266, C>T. VCF-style: chr5-3599266-C-T. GRCh37 (hg19) VCF-style: chr5-3599380-C-T.
Identifiers: ClinVar variation 767991 (VCV000767991.5), dbSNP rs61743903, ClinGen allele CA3188824.